The following is an entry in ClinVar:

NM_001371279.1(REEP1):c.62A>G (p.Tyr21Cys)

Gene: REEP1 (receptor accessory protein 1; minus strand). Cytogenetic location: 2p11.2.
Variant type: single nucleotide variant.
Coding change: c.62A>G on transcript NM_001371279.1 (MANE Select); coding-DNA position 62, A replaced by G.
Protein change: p.Tyr21Cys; replaces tyrosine 21 with cysteine.
Molecular consequence: missense variant. On other transcripts: intron variant (1).
Genome position (GRCh38, 1-based): chr2:86,282,213, T>C on the plus strand (A>G on the coding strand, the complement: REEP1 is on the minus strand). VCF-style: chr2-86282213-T-C. GRCh37 (hg19) VCF-style: chr2-86509336-T-C.
Other names: c.83A>G, p.Tyr28Cys (NM_001164730.2); c.62A>G, p.Tyr21Cys (NM_001164732.2, NM_001371280.1, NM_001410855.1 and 2 more transcripts); c.25-18172A>G (NM_001164731.2); short protein forms Y28C, Y21C.
Identifiers: ClinVar variation 5009454 (VCV005009454.1).
Genomic context (GRCh38, chr2:86,282,213, plus strand): 5'-TACACAGTGCTACTTACATATTCCTTAATGTCCTTTGATTTCACAGCCTTGTAGGAATAA[T>C]ACGCAGGGTAAAGGGTGCCAAATATAAGCCTGGAGGGAAGAGAGACAAAAATAAATACGA-3'
Protein context (NP_001358208.1, residues 11-31): VLIFGTLYPA[Tyr21Cys]YSYKAVKSKD

ClinVar aggregate classification (germline): Uncertain significance (1 of 4 stars; one submission).

Submission:

GeneDx
Classification: Uncertain significance. Last evaluated: 2026-03-19. Review status: criteria provided, single submitter. Criteria: GeneDx Variant Classification Process June 2021. Collection method: clinical testing. Allele origin: germline.
Comment: Not observed at significant frequency in large population cohorts (gnomAD); In silico analysis supports that this missense variant has a deleterious effect on protein structure/function; Has not been previously published as pathogenic or benign to our knowledge